The following is an entry in ClinVar:

NM_014264.5(PLK4):c.1016A>T (p.Asp339Val)

Gene: PLK4 (polo like kinase 4; plus strand). Cytogenetic location: 4q28.1.
Variant type: single nucleotide variant.
Coding change: c.1016A>T on transcript NM_014264.5 (MANE Select); coding-DNA position 1016, A replaced by T.
Protein change: p.Asp339Val; replaces aspartic acid 339 with valine.
Molecular consequence: missense variant.
Genome position (GRCh38, 1-based): chr4:127,886,386, A>T. VCF-style: chr4-127886386-A-T. GRCh37 (hg19) VCF-style: chr4-128807541-A-T.
Other names: c.920A>T, p.Asp307Val (NM_001190799.2); c.893A>T, p.Asp298Val (NM_001190801.2); short protein forms D298V, D307V, D339V.
Identifiers: ClinVar variation 1717293 (VCV001717293.5), dbSNP rs777046323, ClinGen allele CA3076671.
Genomic context (GRCh38, chr4:127,886,386, plus strand): 5'-CAAATAAAATGACTGTATTTCCAAAGAATAAAAGTTCAACTGATTTTTCTTCTTCAGGAG[A>T]TGGAAACAGTTTTTATACTCAGTGGGGAAATCAAGAAACCAGTAATAGTGGAAGGGGAAG-3'
Protein context (NP_055079.3, residues 329-349): KSSTDFSSSG[Asp339Val]GNSFYTQWGN

ClinVar aggregate classification (germline): Uncertain significance (1 of 4 stars; one submission).

Allele frequency attached by ClinVar (database versions not stated): gnomAD exomes below 0.00001; TOPMed below 0.00001; ExAC 0.00001.
gnomAD v4.1: 1 of 1,613,934 alleles (0.000062%); highest among the groups gnomAD compares: Non-Finnish European, 0.000085%; no homozygotes.

Submission:

Labcorp Genetics (formerly Invitae), Labcorp
Classification: Uncertain significance. Last evaluated: 2022-10-13. Review status: criteria provided, single submitter. Criteria: Invitae Variant Classification Sherloc (09022015). Collection method: clinical testing. Allele origin: germline.
Comment: This variant is present in population databases (rs777046323, gnomAD 0.0009%). This sequence change replaces aspartic acid, which is acidic and polar, with valine, which is neutral and non-polar, at codon 339 of the PLK4 protein (p.Asp339Val). This variant has not been reported in the literature in individuals affected with PLK4-related conditions. In summary, the available evidence is currently insufficient to determine the role of this variant in disease. Therefore, it has been classified as a Variant of Uncertain Significance. Algorithms developed to predict the effect of missense changes on protein structure and function are either unavailable or do not agree on the potential impact of this missense change (SIFT: "Deleterious"; PolyPhen-2: "Benign"; Align-GVGD: "Class C0").